The following is an entry in ClinVar:

NM_000257.4(MYH7):c.3489G>A (p.Met1163Ile)

Gene: MYH7 (myosin heavy chain 7; minus strand). Cytogenetic location: 14q11.2.
Variant type: single nucleotide variant.
Coding change: c.3489G>A on transcript NM_000257.4 (MANE Select); coding-DNA position 3489, G replaced by A.
Protein change: p.Met1163Ile; replaces methionine 1163 with isoleucine.
Molecular consequence: missense variant.
Genome position (GRCh38, 1-based): chr14:23,420,082, C>T on the plus strand (G>A on the coding strand, the complement: MYH7 is on the minus strand). VCF-style: chr14-23420082-C-T. GRCh37 (hg19) VCF-style: chr14-23889291-C-T.
Other names: c.3489G>A, p.Met1163Ile (NM_001407004.1); short protein forms M1163I.
Identifiers: ClinVar variation 3893703 (VCV003893703.2).

ClinVar aggregate classification (germline): Uncertain significance (1 of 4 stars; one submission).

Conditions:
Cardiomyopathy (CMYO). Also called: Cardiomyopathies. Identifiers: Orphanet 167848, MedGen C0878544, MONDO:0004994, HP:0001638. Inheritance: Various modes of inheritance.

Submission:

Color Diagnostics, LLC DBA Color Health
Classification: Uncertain significance for Cardiomyopathy. Last evaluated: 2025-11-10. Review status: criteria provided, single submitter. Criteria: ACMG Guidelines, 2015. Collection method: clinical testing. Allele origin: germline.
Comment: This missense variant replaces methionine with isoleucine at codon 1163 of the MYH7 protein. Computational prediction suggests that this variant may not impact protein structure and function. To our knowledge, functional studies have not been reported for this variant. This variant has not been reported in individuals affected with MYH7-related disorders in the literature. This variant has not been identified in the general population by the Genome Aggregation Database (gnomAD). The available evidence is insufficient to determine the role of this variant in disease conclusively. Therefore, this variant is classified as a Variant of Uncertain Significance.